The following is an entry in ClinVar:

ClinVar aggregate classification (germline): Uncertain significance (1 of 4 stars; one submission).

Submission:

GeneDx
Classification: Uncertain significance. Last evaluated: 2024-12-20. Review status: criteria provided, single submitter. Criteria: GeneDx Variant Classification Process June 2021. Collection method: clinical testing. Allele origin: germline. Affected: yes.
Comment: Not observed at significant frequency in large population cohorts (gnomAD); In silico analysis supports that this missense variant has a deleterious effect on protein structure/function; Has not been previously published as pathogenic or benign to our knowledge

NM_000193.4(SHH):c.1118C>G (p.Ala373Gly)

Gene: SHH (sonic hedgehog signaling molecule; minus strand). Cytogenetic location: 7q36.3.
Variant type: single nucleotide variant.
Coding change: c.1118C>G on transcript NM_000193.4 (MANE Select); coding-DNA position 1118, C replaced by G.
Protein change: p.Ala373Gly; replaces alanine 373 with glycine.
Molecular consequence: missense variant. On other transcripts: intron variant (1).
Genome position (GRCh38, 1-based): chr7:155,803,171, G>C on the plus strand (C>G on the coding strand, the complement: SHH is on the minus strand). VCF-style: chr7-155803171-G-C. GRCh37 (hg19) VCF-style: chr7-155595865-G-C.
Other names: c.302-2926C>G (NM_001310462.2); short protein forms A373G.
Identifiers: ClinVar variation 4055847 (VCV004055847.1).
Genomic context (GRCh38, chr7:155,803,171, plus strand): 5'-GCGGGCGCCAGTGCAGCCAGGAGCGCGTGCGCCAGGCGGAAGGGCGCGAAGGCCCGGTGC[G>C]CCCAGCTGTGCTCCTCGATGACCGCGTAGCACGAGGCCAGCACCCGGTTGATGAGAATGG-3'
Protein context (NP_000184.1, residues 363-383): CYAVIEEHSW[Ala373Gly]HRAFAPFRLA